The following is an entry in ClinVar:

ClinVar aggregate classification (germline): Uncertain significance (1 of 4 stars; one submission).

Allele frequency attached by ClinVar (database versions not stated): gnomAD exomes below 0.00001; ExAC 0.00001; gnomAD 0.00001 and 0.00002; TOPMed 0.00002; ESP Exome Variant Server 0.00008.
gnomAD v4.1: 4 of 1,613,132 alleles (0.00025%); highest among the groups gnomAD compares: African/African-American, 0.004%; no homozygotes.

Submission:

Labcorp Genetics (formerly Invitae), Labcorp
Classification: Uncertain significance. Last evaluated: 2021-11-30. Review status: criteria provided, single submitter. Criteria: Invitae Variant Classification Sherloc (09022015). Collection method: clinical testing. Allele origin: germline.
Comment: This sequence change replaces glutamine, which is neutral and polar, with histidine, which is basic and polar, at codon 780 of the RASGRP1 protein (p.Gln780His). This variant is not present in population databases (gnomAD no frequency). This variant has not been reported in the literature in individuals affected with RASGRP1-related conditions. Algorithms developed to predict the effect of missense changes on protein structure and function are either unavailable or do not agree on the potential impact of this missense change (SIFT: "Deleterious"; PolyPhen-2: "Benign"; Align-GVGD: "Class C0"). In summary, the available evidence is currently insufficient to determine the role of this variant in disease. Therefore, it has been classified as a Variant of Uncertain Significance.

NM_005739.4(RASGRP1):c.2340G>C (p.Gln780His)

Gene: RASGRP1 (RAS guanyl releasing protein 1; minus strand). Cytogenetic location: 15q14.
Variant type: single nucleotide variant.
Coding change: c.2340G>C on transcript NM_005739.4 (MANE Select); coding-DNA position 2340, G replaced by C.
Protein change: p.Gln780His; replaces glutamine 780 with histidine.
Molecular consequence: missense variant. On other transcripts: 3 prime UTR variant (1).
Genome position (GRCh38, 1-based): chr15:38,490,608, C>G on the plus strand (G>C on the coding strand, the complement: RASGRP1 is on the minus strand). VCF-style: chr15-38490608-C-G. GRCh37 (hg19) VCF-style: chr15-38782809-C-G.
Other names: c.2235G>C, p.Gln745His (NM_001128602.2); c.*55G>C (NM_001306086.2); short protein forms Q780H, Q745H.
Identifiers: ClinVar variation 1415213 (VCV001415213.3), dbSNP rs375426529, ClinGen allele CA7470630.